The following is an entry in ClinVar:

NM_006648.4(WNK2):c.2047G>A (p.Val683Met)

Gene: WNK2 (WNK lysine deficient protein kinase 2; plus strand). Cytogenetic location: 9q22.31.
Variant type: single nucleotide variant.
Coding change: c.2047G>A on transcript NM_006648.4 (MANE Select); coding-DNA position 2047, G replaced by A.
Protein change: p.Val683Met; replaces valine 683 with methionine.
Molecular consequence: missense variant.
Genome position (GRCh38, 1-based): chr9:93,256,311, G>A. VCF-style: chr9-93256311-G-A. GRCh37 (hg19) VCF-style: chr9-96018593-G-A.
Other names: c.2047G>A, p.Val683Met (NM_001282394.3); short protein forms V683M.
Identifiers: ClinVar variation 4201771 (VCV004201771.1).

ClinVar aggregate classification (germline): Uncertain significance (1 of 4 stars; one submission).

gnomAD v4.1: 1 of 1,567,612 alleles (0.000064%); highest among the groups gnomAD compares: Admixed American, 0.0018%; no homozygotes.

Submission:

Ambry Genetics
Classification: Uncertain significance. Last evaluated: 2025-08-19. Review status: criteria provided, single submitter. Criteria: Ambry Variant Classification Scheme 2023. Collection method: clinical testing. Allele origin: germline.
Comment: The p.V683M variant (also known as c.2047G>A), located in coding exon 9 of the WNK2 gene, results from a G to A substitution at nucleotide position 2047. The valine at codon 683 is replaced by methionine, an amino acid with highly similar properties. This amino acid position is conserved. In addition, this alteration is predicted to be tolerated by in silico analysis. Based on the available evidence, the clinical significance of this variant remains unclear.